The following is an entry in ClinVar:

ClinVar aggregate classification (germline): Conflicting classifications of pathogenicity. Review status: criteria provided, conflicting classifications (1 of 4 stars). 3 submissions from 3 submitters: Uncertain significance (1); Likely benign (2). Last evaluated 2024-09-26.

Conditions:
Cardiovascular phenotype. Identifiers: MedGen CN230736.

Allele frequency attached by ClinVar (database versions not stated): gnomAD exomes 0.00002 and 0.00004; ExAC 0.00007; 1000 Genomes Project 30x 0.00016; TOPMed 0.00016; gnomAD 0.00017 and 0.00018; 1000 Genomes Project 0.00020; ESP Exome Variant Server 0.00031.
gnomAD v4.1: 55 of 1,577,838 alleles (0.0035%); highest among the groups gnomAD compares: African/African-American, 0.071%; no homozygotes.

Submissions (3):

Ambry Genetics
Classification: Uncertain significance for Cardiovascular phenotype. Last evaluated: 2024-09-26. Review status: criteria provided, single submitter. Criteria: Ambry Variant Classification Scheme 2023. Collection method: clinical testing. Allele origin: germline.

Labcorp Genetics (formerly Invitae), Labcorp
Classification: Likely benign. Last evaluated: 2024-06-06. Review status: criteria provided, single submitter. Criteria: Invitae Variant Classification Sherloc (09022015). Collection method: clinical testing. Allele origin: germline.

Women's Health and Genetics/Laboratory Corporation of America, LabCorp
Classification: Likely benign. Last evaluated: 2022-05-31. Review status: criteria provided, single submitter. Criteria: LabCorp Variant Classification Summary - May 2015. Collection method: clinical testing. Allele origin: germline.
Comment: Variant summary: ABCA1 c.6545C>T (p.Ser2182Phe) results in a non-conservative amino acid change in the encoded protein sequence. Four of five in-silico tools predict a damaging effect of the variant on protein function. The variant allele was found at a frequency of 4e-05 in 251054 control chromosomes, predominantly at a frequency of 0.00062 within the African or African-American subpopulation in the gnomAD database. The observed variant frequency within African or African-American control individuals in the gnomAD database is approximately 50 fold of the estimated maximal expected allele frequency for a pathogenic variant in ABCA1 causing Early Onset Coronary Artery Disease phenotype (1.3e-05), strongly suggesting that the variant is a benign polymorphism found primarily in populations of African or African-American origin. To our knowledge, no occurrence of c.6545C>T in individuals affected with Early Onset Coronary Artery Disease and no experimental evidence demonstrating its impact on protein function have been reported. No clinical diagnostic laboratories have submitted clinical-significance assessments for this variant to ClinVar after 2014. Based on the evidence outlined above, the variant was classified as likely benign.

Literature cited by the submitters: PubMed 25215231 (cited by Women's Health and Genetics/Laboratory Corporation of America, LabCorp).

NM_005502.4(ABCA1):c.6545C>T (p.Ser2182Phe)

Genes: NIPSNAP3B (nipsnap homolog 3B; plus strand), ABCA1 (ATP binding cassette subfamily A member 1; minus strand). Cytogenetic location: 9q31.1.
Variant type: single nucleotide variant.
Coding change: c.6545C>T on transcript NM_005502.4 (MANE Select); coding-DNA position 6545, C replaced by T.
Protein change: p.Ser2182Phe; replaces serine 2182 with phenylalanine.
Molecular consequence: missense variant.
Genome position (GRCh38, 1-based): chr9:104,785,496, G>A on the plus strand (C>T on the coding strand, the complement: ABCA1 is on the minus strand). VCF-style: chr9-104785496-G-A. GRCh37 (hg19) VCF-style: chr9-107547777-G-A.
Other names: short protein forms S2182F.
Identifiers: ClinVar variation 1696271 (VCV001696271.4), dbSNP rs369476391, ClinGen allele CA5167518.